The following is an entry in ClinVar:

ClinVar aggregate classification (germline): Conflicting classifications of pathogenicity. Review status: criteria provided, conflicting classifications (1 of 4 stars). 12 submissions from 12 submitters: Uncertain significance (7); Benign (1); Likely benign (3). 1 of the submissions does not count toward it. Last evaluated 2026-02-04.

Conditions:
Hereditary cancer-predisposing syndrome. Also called: Neoplastic Syndromes, Hereditary; Hereditary Cancer Syndrome; Hereditary neoplastic syndrome; Tumor predisposition. Identifiers: Orphanet 140162, MedGen C0027672, MeSH D009386, MONDO:0015356.
Hereditary breast ovarian cancer syndrome. Also called: Hereditary breast and ovarian cancer syndrome; Hereditary breast and/or ovarian cancer syndrome; BRCA1- and BRCA2-Associated Hereditary Breast and Ovarian Cancer; Hereditary breast and ovarian cancer; Breast and ovarian cancer; Hereditary breast and ovarian cancer syndrome (HBOC). Identifiers: Orphanet 145, MedGen C0677776, MeSH D061325, MONDO:0003582. Disease mechanism: loss of function.
Generalized juvenile polyposis/juvenile polyposis coli. Also called: Juvenile polyposis coli. Identifiers: Orphanet 329971, MedGen C1868081, MONDO:0008276.
Peutz-Jeghers syndrome (PJS). Also called: Peutz-Jeghers polyposis; Periorificial lentiginosis syndrome; POLYPOSIS, HAMARTOMATOUS INTESTINAL; POLYPS-AND-SPOTS SYNDROME. Identifiers: Orphanet 2869, MedGen C0031269, MeSH D010580, MONDO:0008280, OMIM 175200.

Allele frequency attached by ClinVar (database versions not stated): ExAC 0.00001; gnomAD 0.00001; gnomAD exomes 0.00001; TOPMed 0.00001.
gnomAD v4.1: 21 of 1,610,686 alleles (0.0013%); highest among the groups gnomAD compares: Admixed American, 0.0017%; no homozygotes.

Submissions (12):

Labcorp Genetics (formerly Invitae), Labcorp
Classification: Benign for Peutz-Jeghers syndrome. Last evaluated: 2026-02-04. Review status: criteria provided, single submitter. Criteria: Invitae Variant Classification Sherloc (09022015). Collection method: clinical testing. Allele origin: germline.

Molecular Pathology, Peter Maccallum Cancer Centre
Classification: Uncertain significance for Peutz-Jeghers syndrome. Last evaluated: 2025-01-14. Review status: criteria provided, single submitter. Criteria: ACMG Guidelines, 2015. Collection method: clinical testing. Allele origin: germline. Inheritance: Autosomal dominant inheritance.

German Consortium for Hereditary Breast and Ovarian Cancer, University Hospital Cologne
Classification: Uncertain significance for Hereditary breast ovarian cancer syndrome. Last evaluated: 2024-11-11. Review status: criteria provided, single submitter. Criteria: ACMG Guidelines, 2015. Collection method: curation. Allele origin: germline.
Comment: According to the ACMG SVI adaptation criteria we chose these criteria: BP4 (supporting benign): REVEL = 0,156, BS1 (supporting benign): Allele frequency is greater than expected for disorder: (StatPearls 1 in 25,000 to 300,000 = 0,0003%; MedSpace: 1 case per 60,000 people & 1 case per 300,000) gnomAD 4.1.0 Grpmax Filtering AF = 0.00001031 --> 0,001%

Color Diagnostics, LLC DBA Color Health
Classification: Likely benign for Hereditary cancer-predisposing syndrome. Last evaluated: 2024-09-19. Review status: criteria provided, single submitter. Criteria: ACMG Guidelines, 2015. Collection method: clinical testing. Allele origin: germline.

All of Us Research Program, National Institutes of Health
Classification: Likely benign for Peutz-Jeghers syndrome. Last evaluated: 2023-11-30. Review status: criteria provided, single submitter. Criteria: ACMG Guidelines, 2015. Collection method: clinical testing. Allele origin: germline. Inheritance: Autosomal dominant inheritance. Observed: 2 variant alleles, 2 heterozygotes.
Comment: This study involves interpretation of variants in research participants for the purpose of population health screening. Participant phenotype was not available at the time of variant classification. Additional details can be found in publication PMID: 35346344, PMCID: PMC8962531

Quest Diagnostics Nichols Institute San Juan Capistrano
Classification: Uncertain significance. Last evaluated: 2023-09-08. Review status: criteria provided, single submitter. Criteria: Quest Diagnostics criteria. Collection method: clinical testing. Allele origin: unknown.
Comment: This variant was also identified in both affected and unaffected individuals in large-scale breast cancer association studies (PMIDs: 30287823 (2018), 33471991 (2021), see also LOVD). The frequency of this variant in the general population, 0.0000082 (2/243660 chromosomes (Genome Aggregation Database)), is uninformative in the assessment of its pathogenicity. Analysis of this variant using bioinformatics tools for the prediction of the effect of amino acid changes on protein structure and function yielded predictions that this variant is benign. Based on the available information, we are unable to determine the clinical significance of this variant.

GeneDx
Classification: Uncertain significance. Last evaluated: 2023-06-14. Review status: criteria provided, single submitter. Criteria: GeneDx Variant Classification Process June 2021. Collection method: clinical testing. Allele origin: germline. Affected: yes.
Comment: Not observed at significant frequency in large population cohorts (gnomAD); In silico analysis supports that this missense variant does not alter protein structure/function; Observed in individuals with breast cancer, but also in unaffected controls (Caminsky et al., 2016; Momozawa et al., 2018); This variant is associated with the following publications: (PMID: 15863673, 30287823, 26898890, 26010451)

Revvity Omics, Revvity
Classification: Uncertain significance for Peutz-Jeghers syndrome. Last evaluated: 2023-06-09. Review status: criteria provided, single submitter. Criteria: ACMG Guidelines, 2015. Collection method: clinical testing. Allele origin: germline.

Genome-Nilou Lab
Classification: Uncertain significance for Peutz-Jeghers syndrome. Last evaluated: 2021-07-15. Review status: criteria provided, single submitter. Criteria: ACMG Guidelines, 2015. Collection method: clinical testing. Allele origin: germline. Affected: no.

Ambry Genetics
Classification: Likely benign for Hereditary cancer-predisposing syndrome. Last evaluated: 2019-04-11. Review status: criteria provided, single submitter. Criteria: Ambry Variant Classification Scheme 2023. Collection method: clinical testing. Allele origin: germline.

Women's Health and Genetics/Laboratory Corporation of America, LabCorp
Classification: Uncertain significance. Last evaluated: 2017-07-14. Review status: criteria provided, single submitter. Criteria: LabCorp Variant Classification Summary - May 2015. Collection method: clinical testing. Allele origin: germline.
Comment: Variant summary: The STK11 c.817G>A (p.Ala273Thr) variant located in the protein kinase-like domain (via InterPro) causes a missense change involving the alteration of a conserved nucleotide. 4/5 in silico tools predict a benign outcome for this variant. The variant of interest has been found in a large, broad control population, ExAC in 0.0000101, which is approximately 2 times the estimated maximal expected allele frequency of a pathogenic STK11 variant (0.0000063), suggesting this variant is likely a benign polymorphism. However, this variant was reported in a patient with BrC (Caminsky_2016). Multiple clinical diagnostic laboratories/reputable databases classified this variant as uncertain significance. Taken together, this variant is classified as a "Variant of Uncertain Significance (VUS)," until more definitive clinical and functional studies become available.

Department of Pathology and Laboratory Medicine, Sinai Health System
Classification: Uncertain significance for Generalized juvenile polyposis/juvenile polyposis coli. Review status: no assertion criteria provided. Collection method: clinical testing. Allele origin: unknown. Affected: yes. Study: The Canadian Open Genetics Repository (COGR). Not counted in ClinVar's aggregate classification.
Comment: The STK11 p.Ala273Thr variant was identified in 1 of 576 proband chromosomes (frequency: 0.002) from individuals or families with breast or ovarian cancer (Caminsky 2016). The variant was also identified in dbSNP (ID: rs587782199) as "With Uncertain significance allele", ClinVar (classified as likely benign by Ambry Genetics; as uncertain significance by Invitae, GeneDx, and Integrated Genetics/Laboratory Corporation of America), and in Cosmic (1x in Large intestine). The variant was not identified in MutDB, LOVD 3.0, Zhejiang University Database, or Insight Hereditary Tumors Database. The variant was identified in control databases in 2 of 241530 chromosomes at a frequency of 0.000008 (Genome Aggregation Database Feb 27, 2017). The variant was observed in the following populations: Latino in 1 of 33228 chromosomes (freq: 0.00003), European in 1 of 109252 chromosomes (freq: 0.000009), while the variant was not observed in the African, Other, Ashkenazi Jewish, East Asian, Finnish, and South Asian populations. The p.Ala273 residue is not conserved in mammals and computational analyses (PolyPhen-2, SIFT, AlignGVGD, BLOSUM, MutationTaster) do not suggest a high likelihood of impact to the protein; however, this information is not predictive enough to rule out pathogenicity. The variant occurs outside of the splicing consensus sequence and in silico or computational prediction software programs (SpliceSiteFinder, MaxEntScan, NNSPLICE, GeneSplicer) do not predict a difference in splicing. In summary, based on the above information the clinical significance of this variant cannot be determined with certainty at this time. This variant is classified as a variant of uncertain significance.

Literature cited by the submitters: PubMed 31819097 (cited by Quest Diagnostics Nichols Institute San Juan Capistrano); PubMed 30857943 (cited by Quest Diagnostics Nichols Institute San Juan Capistrano); PubMed 33471991 (cited by Quest Diagnostics Nichols Institute San Juan Capistrano); PubMed 27756406 (cited by Quest Diagnostics Nichols Institute San Juan Capistrano); PubMed 26010451 (cited by Quest Diagnostics Nichols Institute San Juan Capistrano and Women's Health and Genetics/Laboratory Corporation of America, LabCorp); PubMed 32490123 (cited by Quest Diagnostics Nichols Institute San Juan Capistrano); PubMed 26898890 (cited by Quest Diagnostics Nichols Institute San Juan Capistrano and Women's Health and Genetics/Laboratory Corporation of America, LabCorp); PubMed 30287823 (cited by Quest Diagnostics Nichols Institute San Juan Capistrano).

NM_000455.5(STK11):c.817G>A (p.Ala273Thr)

Gene: STK11 (serine/threonine kinase 11; plus strand). Cytogenetic location: 19p13.3.
Variant type: single nucleotide variant.
Coding change: c.817G>A on transcript NM_000455.5 (MANE Select); coding-DNA position 817, G replaced by A.
Protein change: p.Ala273Thr; replaces alanine 273 with threonine.
Molecular consequence: missense variant.
Genome position (GRCh38, 1-based): chr19:1,221,295, G>A. VCF-style: chr19-1221295-G-A. GRCh37 (hg19) VCF-style: chr19-1221294-G-A.
Other names: short protein forms A273T.
Identifiers: ClinVar variation 142052 (VCV000142052.28), dbSNP rs587782199, ClinGen allele CA023284.
Genomic context (GRCh38, chr19:1,221,295, plus strand): 5'-TACCCCTTCGAAGGGGACAACATCTACAAGTTGTTTGAGAACATCGGGAAGGGGAGCTAC[G>A]CCATCCCGGGCGACTGTGGCCCCCCGCTCTCTGACCTGCTGAAAGGTGGGAGCCTCATCC-3'
Protein context (NP_000446.1, residues 263-283): LFENIGKGSY[Ala273Thr]IPGDCGPPLS